The following is an entry in ClinVar:

NM_000071.3(CBS):c.920G>C (p.Gly307Ala)

Gene: CBS (cystathionine beta-synthase; minus strand). Cytogenetic location: 21q22.3.
Variant type: single nucleotide variant.
Coding change: c.920G>C on transcript NM_000071.3 (MANE Select); coding-DNA position 920, G replaced by C.
Protein change: p.Gly307Ala; replaces glycine 307 with alanine.
Molecular consequence: missense variant.
Genome position (GRCh38, 1-based): chr21:43,062,987, C>G on the plus strand (G>C on the coding strand, the complement: CBS is on the minus strand). VCF-style: chr21-43062987-C-G. GRCh37 (hg19) VCF-style: chr21-44483097-C-G.
Other names: c.920G>C, p.Gly307Ala (NM_001178008.3, NM_001178009.3, NM_001320298.2); c.605G>C, p.Gly202Ala (NM_001321072.1); short protein forms G202A, G307A.
Identifiers: ClinVar variation 2777031 (VCV002777031.3), dbSNP rs2517428448, ClinGen allele CA410600001.

ClinVar aggregate classification (germline): Likely pathogenic (1 of 4 stars; one submission).

Conditions:
HYPERHOMOCYSTEINEMIA, THROMBOTIC, CBS-RELATED. Identifiers: MedGen C3150344, OMIM 236200.

Submission:

Labcorp Genetics (formerly Invitae), Labcorp
Classification: Likely pathogenic for HYPERHOMOCYSTEINEMIA, THROMBOTIC, CBS-RELATED. Last evaluated: 2023-06-17. Review status: criteria provided, single submitter. Criteria: Invitae Variant Classification Sherloc (09022015). Collection method: clinical testing. Allele origin: germline.
Comment: This variant has not been reported in the literature in individuals affected with CBS-related conditions. This variant is not present in population databases (gnomAD no frequency). This sequence change replaces glycine, which is neutral and non-polar, with alanine, which is neutral and non-polar, at codon 307 of the CBS protein (p.Gly307Ala). In summary, the currently available evidence indicates that the variant is pathogenic, but additional data are needed to prove that conclusively. Therefore, this variant has been classified as Likely Pathogenic. This variant disrupts the p.Gly307 amino acid residue in CBS. Other variant(s) that disrupt this residue have been determined to be pathogenic (PMID: 7506602, 7581402, 8744616, 9889017, 20506325, 22267502, 23733603). This suggests that this residue is clinically significant, and that variants that disrupt this residue are likely to be disease-causing. Advanced modeling of protein sequence and biophysical properties (such as structural, functional, and spatial information, amino acid conservation, physicochemical variation, residue mobility, and thermodynamic stability) performed at Invitae indicates that this missense variant is expected to disrupt CBS protein function.

Literature cited by the submitters: PubMed 7506602; PubMed 7581402; PubMed 8744616; PubMed 9889017; PubMed 20506325; PubMed 22267502; PubMed 23733603.